The following is an entry in ClinVar:

NM_001069.3(TUBB2A):c.1328A>G (p.Asp443Gly)

Gene: TUBB2A (tubulin beta 2A class IIa; minus strand). Cytogenetic location: 6p25.2.
Variant type: single nucleotide variant.
Coding change: c.1328A>G on transcript NM_001069.3 (MANE Select); coding-DNA position 1328, A replaced by G.
Protein change: p.Asp443Gly; replaces aspartic acid 443 with glycine.
Molecular consequence: missense variant.
Genome position (GRCh38, 1-based): chr6:3,153,873, T>C on the plus strand (A>G on the coding strand, the complement: TUBB2A is on the minus strand). VCF-style: chr6-3153873-T-C. GRCh37 (hg19) VCF-style: chr6-3154107-T-C.
Other names: c.1073A>G, p.Asp358Gly (NM_001310315.2); short protein forms D443G, D358G.
Identifiers: ClinVar variation 2081638 (VCV002081638.4), dbSNP rs1306309427, ClinGen allele CA362590688.

ClinVar aggregate classification (germline): Uncertain significance (1 of 4 stars; one submission).

Allele frequency attached by ClinVar (database versions not stated): gnomAD exomes below 0.00001; TOPMed below 0.00001; gnomAD 0.00001.

Submission:

Labcorp Genetics (formerly Invitae), Labcorp
Classification: Uncertain significance. Last evaluated: 2022-01-13. Review status: criteria provided, single submitter. Criteria: Invitae Variant Classification Sherloc (09022015). Collection method: clinical testing. Allele origin: germline.
Comment: In summary, the available evidence is currently insufficient to determine the role of this variant in disease. Therefore, it has been classified as a Variant of Uncertain Significance. This sequence change replaces aspartic acid, which is acidic and polar, with glycine, which is neutral and non-polar, at codon 443 of the TUBB2A protein (p.Asp443Gly). This variant is not present in population databases (gnomAD no frequency). This variant has not been reported in the literature in individuals affected with TUBB2A-related conditions. Advanced modeling of protein sequence and biophysical properties (such as structural, functional, and spatial information, amino acid conservation, physicochemical variation, residue mobility, and thermodynamic stability) performed at Invitae indicates that this missense variant is not expected to disrupt TUBB2A protein function.